The following is an entry in ClinVar:

ClinVar aggregate classification (germline): Uncertain significance (1 of 4 stars; one submission).

Submission:

Labcorp Genetics (formerly Invitae), Labcorp
Classification: Uncertain significance. Last evaluated: 2025-06-23. Review status: criteria provided, single submitter. Criteria: Invitae Variant Classification Sherloc (09022015). Collection method: clinical testing. Allele origin: germline.
Comment: This sequence change replaces glutamine, which is neutral and polar, with arginine, which is basic and polar, at codon 242 of the CNGB1 protein (p.Gln242Arg). This variant is not present in population databases (gnomAD no frequency). This variant has not been reported in the literature in individuals affected with CNGB1-related conditions. Invitae Evidence Modeling of protein sequence and biophysical properties (such as structural, functional, and spatial information, amino acid conservation, physicochemical variation, residue mobility, and thermodynamic stability) indicates that this missense variant is not expected to disrupt CNGB1 protein function with a negative predictive value of 95%. In summary, the available evidence is currently insufficient to determine the role of this variant in disease. Therefore, it has been classified as a Variant of Uncertain Significance.

NM_001297.5(CNGB1):c.725A>G (p.Gln242Arg)

Gene: CNGB1 (cyclic nucleotide gated channel subunit beta 1; minus strand). Cytogenetic location: 16q21.
Variant type: single nucleotide variant.
Coding change: c.725A>G on transcript NM_001297.5 (MANE Select); coding-DNA position 725, A replaced by G.
Protein change: p.Gln242Arg; replaces glutamine 242 with arginine.
Molecular consequence: missense variant.
Genome position (GRCh38, 1-based): chr16:57,959,924, T>C on the plus strand (A>G on the coding strand, the complement: CNGB1 is on the minus strand). VCF-style: chr16-57959924-T-C. GRCh37 (hg19) VCF-style: chr16-57993828-T-C.
Other names: c.725A>G, p.Gln242Arg (NM_001135639.2); c.707A>G, p.Gln236Arg (NM_001286130.2); short protein forms Q236R, Q242R.
Identifiers: ClinVar variation 4802778 (VCV004802778.1).